The following is an entry in ClinVar:

NM_014249.4(NR2E3):c.131C>A (p.Ser44Ter)

Gene: NR2E3 (nuclear receptor subfamily 2 group E member 3; plus strand). Cytogenetic location: 15q23.
Variant type: single nucleotide variant.
Coding change: c.131C>A on transcript NM_014249.4 (MANE Select); coding-DNA position 131, C replaced by A.
Protein change: p.Ser44Ter; replaces serine 44 with a stop codon.
Molecular consequence: nonsense.
Genome position (GRCh38, 1-based): chr15:71,811,495, C>A. VCF-style: chr15-71811495-C-A. GRCh37 (hg19) VCF-style: chr15-72103835-C-A.
Other names: c.131C>A, p.Ser44Ter (NM_016346.4); short protein forms S44*.
Identifiers: ClinVar variation 1456422 (VCV001456422.9), dbSNP rs202098481, ClinGen allele CA393031954.
Genomic context (GRCh38, chr15:71,811,495, plus strand): 5'-GCCCCGGCCCAGCCCTGCCCTGGCCCAGCCCTGCCCCCTGCCCCTCAGGCGTGAGCCCCT[C>A]GCTCCAGTGCCGCGTGTGCGGAGACAGCAGCAGCGGGAAGCACTATGGCATCTATGCCTG-3'

ClinVar aggregate classification (germline): Pathogenic. Review status: criteria provided, multiple submitters, no conflicts (2 of 4 stars). 2 submissions from 2 submitters: Pathogenic (2). Last evaluated 2023-06-17.

Conditions:
Enhanced S-cone syndrome (ESCS). Identifiers: Orphanet 53540, MedGen C1849394, MONDO:0100288, MONDO:0009989.

gnomAD v4.1: 2 of 1,559,320 alleles (0.00013%); highest among the groups gnomAD compares: Non-Finnish European, 0.00017%; no homozygotes.

Submissions (2):

Baylor Genetics
Classification: Pathogenic for ENHANCED S-CONE SYNDROME 1. Last evaluated: 2023-06-17. Review status: criteria provided, single submitter. Criteria: ACMG Guidelines, 2015. Collection method: clinical testing. Allele origin: unknown.

Labcorp Genetics (formerly Invitae), Labcorp
Classification: Pathogenic. Last evaluated: 2021-02-12. Review status: criteria provided, single submitter. Criteria: Invitae Variant Classification Sherloc (09022015). Collection method: clinical testing. Allele origin: germline.
Comment: For these reasons, this variant has been classified as Pathogenic. This variant has been observed in individual(s) with NR2E3-related conditions (PMID: 20212206). This variant is not present in population databases (ExAC no frequency). This sequence change creates a premature translational stop signal (p.Ser44*) in the NR2E3 gene. It is expected to result in an absent or disrupted protein product. Loss-of-function variants in NR2E3 are known to be pathogenic (PMID: 15459973, 27522502).

Literature cited by the submitters: PubMed 20212206 (cited by Labcorp Genetics (formerly Invitae), Labcorp); PubMed 15459973 (cited by Labcorp Genetics (formerly Invitae), Labcorp); PubMed 27522502 (cited by Labcorp Genetics (formerly Invitae), Labcorp).